The following is an entry in ClinVar:

NM_133368.3(RSPRY1):c.875G>C (p.Cys292Ser)

Gene: RSPRY1 (ring finger and SPRY domain containing 1; plus strand). Cytogenetic location: 16q13.
Variant type: single nucleotide variant.
Coding change: c.875G>C on transcript NM_133368.3 (MANE Select); coding-DNA position 875, G replaced by C.
Protein change: p.Cys292Ser; replaces cysteine 292 with serine.
Molecular consequence: missense variant.
Genome position (GRCh38, 1-based): chr16:57,217,009, G>C. VCF-style: chr16-57217009-G-C. GRCh37 (hg19) VCF-style: chr16-57250921-G-C.
Other names: c.875G>C, p.Cys292Ser (NM_001305163.2, NM_001305164.2); short protein forms C292S.
Identifiers: ClinVar variation 1425585 (VCV001425585.8), dbSNP rs776059388, ClinGen allele CA8074586.

ClinVar aggregate classification (germline): Uncertain significance (1 of 4 stars; one submission).

Allele frequency attached by ClinVar (database versions not stated): TOPMed below 0.00001; gnomAD 0.00001; ExAC 0.00002; gnomAD exomes 0.00002 and 0.00004.

Submission:

Labcorp Genetics (formerly Invitae), Labcorp
Classification: Uncertain significance. Last evaluated: 2020-11-24. Review status: criteria provided, single submitter. Criteria: Invitae Variant Classification Sherloc (09022015). Collection method: clinical testing. Allele origin: germline.
Comment: This variant has not been reported in the literature in individuals with RSPRY1-related conditions. In summary, the available evidence is currently insufficient to determine the role of this variant in disease. Therefore, it has been classified as a Variant of Uncertain Significance. Algorithms developed to predict the effect of missense changes on protein structure and function are either unavailable or do not agree on the potential impact of this missense change (SIFT: "Deleterious"; PolyPhen-2: "Probably Damaging"; Align-GVGD: "Class C0"). This variant is present in population databases (rs776059388, ExAC 0.01%). This sequence change replaces cysteine with serine at codon 292 of the RSPRY1 protein (p.Cys292Ser). The cysteine residue is highly conserved and there is a moderate physicochemical difference between cysteine and serine.